The following is an entry in ClinVar:

ClinVar aggregate classification (germline): Likely benign. Review status: criteria provided, multiple submitters, no conflicts (2 of 4 stars). 2 submissions from 2 submitters: Likely benign (2). Last evaluated 2024-10-18.

Conditions:
Hereditary leiomyomatosis and renal cell cancer. Also called: FH tumor predisposition syndrome; Multiple cutaneous leiomyomas; Familial leiomyomatosis; MULTIPLE CUTANEOUS AND UTERINE LEIOMYOMATA 1, WITH OR WITHOUT RENAL CELL CARCINOMA; Reed syndrome; Multiple cutaneous and uterine leiomyomatosis. Identifiers: Orphanet 523, MedGen C1708350, MONDO:0007888, OMIM 150800, HP:0007437. Disease mechanism: loss of function.

Allele frequency attached by ClinVar (database versions not stated): gnomAD exomes below 0.00001; ExAC 0.00002.
gnomAD v4.1: 2 of 1,607,736 alleles (0.00012%); highest among the groups gnomAD compares: Non-Finnish European, 0.00017%; no homozygotes.

Submissions (2):

Myriad Genetics, Inc.
Classification: Likely benign for Hereditary leiomyomatosis and renal cell cancer. Last evaluated: 2024-10-18. Review status: criteria provided, single submitter. Criteria: Myriad Autosomal Dominant, Autosomal Recessive and X-Linked Classification Criteria (2023). Collection method: clinical testing. Allele origin: unknown.
Comment: This variant is considered likely benign. This variant is intronic and is not expected to impact mRNA splicing.

Labcorp Genetics (formerly Invitae), Labcorp
Classification: Likely benign. Last evaluated: 2022-03-21. Review status: criteria provided, single submitter. Criteria: Invitae Variant Classification Sherloc (09022015). Collection method: clinical testing. Allele origin: germline.

NM_000143.4(FH):c.556-18T>C

Gene: FH (fumarate hydratase; minus strand). Cytogenetic location: 1q43.
Variant type: single nucleotide variant.
Coding change: c.556-18T>C on transcript NM_000143.4 (MANE Select); 18 bases into the intron before coding-DNA position 556, T replaced by C.
Molecular consequence: intron variant.
Genome position (GRCh38, 1-based): chr1:241,508,803, A>G on the plus strand (T>C on the coding strand, the complement: FH is on the minus strand). VCF-style: chr1-241508803-A-G. GRCh37 (hg19) VCF-style: chr1-241672103-A-G.
Identifiers: ClinVar variation 2145805 (VCV002145805.5), dbSNP rs751829174, ClinGen allele CA1478654.